The following is an entry in ClinVar:

ClinVar aggregate classification (germline): Uncertain significance. Review status: criteria provided, multiple submitters, no conflicts (2 of 4 stars). 7 submissions from 6 submitters: Uncertain significance (7). Last evaluated 2025-08-03.

Conditions:
Cardiovascular phenotype. Identifiers: MedGen CN230736.
Cardiomyopathy (CMYO). Also called: Cardiomyopathies. Identifiers: Orphanet 167848, MedGen C0878544, MONDO:0004994, HP:0001638. Inheritance: Various modes of inheritance.
Wolff-Parkinson-White pattern. Also called: WPW SYNDROME; Auriculoventricular accessory pathway syndrome; False bundle branch block syndrome; Anomalous ventricular excitation syndrome. Identifiers: MedGen C0043202, MONDO:0008685, OMIM 194200, HP:0001716.
Lethal congenital glycogen storage disease of heart. Also called: GLYCOGEN STORAGE DISEASE OF HEART; PHOSPHORYLASE KINASE DEFICIENCY OF HEART. Identifiers: Orphanet 439854, MedGen C1849813, MONDO:0009867, OMIM 261740.
Hypertrophic cardiomyopathy 6. Identifiers: MedGen C1833236, MONDO:0010946, OMIM 600858.
Hypertrophic cardiomyopathy. Also called: HYPERTROPHIC MYOCARDIOPATHY. Identifiers: Orphanet 217569, MedGen C0007194, MeSH D002312, MONDO:0005045, HP:0001639.

Allele frequency attached by ClinVar (database versions not stated): gnomAD exomes below 0.00001.
gnomAD v4.1: 7 of 1,614,104 alleles (0.00043%); highest among the groups gnomAD compares: Non-Finnish European, 0.00059%; no homozygotes.

Submissions (7):

Labcorp Genetics (formerly Invitae), Labcorp
Classification: Uncertain significance for Lethal congenital glycogen storage disease of heart. Last evaluated: 2025-08-03. Review status: criteria provided, single submitter. Criteria: Invitae Variant Classification Sherloc (09022015). Collection method: clinical testing. Allele origin: germline.
Comment: This sequence change replaces glutamic acid, which is acidic and polar, with lysine, which is basic and polar, at codon 178 of the PRKAG2 protein (p.Glu178Lys). This variant is not present in population databases (gnomAD no frequency). This missense change has been observed in individual(s) with hypertrophic cardiomyopathy (PMID: 25611685, 27532257, 32150461). ClinVar contains an entry for this variant (Variation ID: 45723). Invitae Evidence Modeling of protein sequence and biophysical properties (such as structural, functional, and spatial information, amino acid conservation, physicochemical variation, residue mobility, and thermodynamic stability) indicates that this missense variant is not expected to disrupt PRKAG2 protein function with a negative predictive value of 95%. In summary, the available evidence is currently insufficient to determine the role of this variant in disease. Therefore, it has been classified as a Variant of Uncertain Significance.

Molecular Diagnostic Laboratory for Inherited Cardiovascular Disease, Montreal Heart Institute
Classification: Uncertain significance for Cardiovascular phenotype. Last evaluated: 2025-04-09. Review status: criteria provided, single submitter. Criteria: ACMG Guidelines, 2015. Collection method: clinical testing. Allele origin: germline. Affected: yes.
Comment: PM2, PS4_supp, BP4

All of Us Research Program, National Institutes of Health
Classification: Uncertain significance for Hypertrophic cardiomyopathy. Last evaluated: 2024-06-09. Review status: criteria provided, single submitter. Criteria: ACMG Guidelines, 2015. Collection method: clinical testing. Allele origin: germline. Inheritance: Autosomal dominant inheritance. Observed: 2 variant alleles, 2 heterozygotes.
Comment: This missense variant replaces glutamic acid with lysine at codon 178 of the PRKAG2 protein. Computational prediction suggests that this variant may not impact protein structure and function (internally defined REVEL score threshold <= 0.5, PMID: 27666373). To our knowledge, functional studies have not been reported for this variant. This variant has been reported in an individual affected with hypertrophic cardiomyopathy (PMID: 25611685, 27532257). This variant has not been identified in the general population by the Genome Aggregation Database (gnomAD). The available evidence is insufficient to determine the role of this variant in disease conclusively. Therefore, this variant is classified as a Variant of Uncertain Significance.

This study involves interpretation of variants in research participants for the purpose of population health screening. Participant phenotype was not available at the time of variant classification. Additional details can be found in publication PMID: 35346344, PMCID: PMC8962531

Illumina Laboratory Services, Illumina
Classification: Uncertain significance for Wolff-Parkinson-White pattern. Last evaluated: 2018-01-12. Review status: criteria provided, single submitter. Criteria: ICSL Variant Classification Criteria 13 December 2019. Collection method: clinical testing. Allele origin: germline.

Illumina Laboratory Services, Illumina
Classification: Uncertain significance for Hypertrophic cardiomyopathy 6. Last evaluated: 2018-01-12. Review status: criteria provided, single submitter. Criteria: ICSL Variant Classification Criteria 13 December 2019. Collection method: clinical testing. Allele origin: germline.

CHEO Genetics Diagnostic Laboratory, Children's Hospital of Eastern Ontario
Classification: Uncertain significance for Cardiomyopathy. Last evaluated: 2016-08-03. Review status: criteria provided, single submitter. Criteria: ACMG Guidelines, 2015. Collection method: clinical testing. Allele origin: germline. Study: Canadian Open Genetics Repository.

Laboratory for Molecular Medicine, Mass General Brigham Personalized Medicine
Classification: Uncertain significance. Last evaluated: 2011-10-25. Review status: criteria provided, single submitter. Criteria: LMM Criteria. Collection method: clinical testing. Allele origin: germline. Observed: 3 variant alleles.
Comment: Variant classified as Uncertain Significance - Favor Benign. This low frequency is consistent with a pathogenic role. In addition, glutamic acid (Glu) at position 178 is highly con served in evolutionary distant species, suggesting that a change would not be to lerated. However, this variant is located outside the cystathionine-beta-synthas e (CBS) domain. To date, all pathogenic variants have been identified within thi s region, raising the possibility that a variant outside of this region may be t olerated. In summary, additional data is needed to determine the significance of this variant.

Literature cited by the submitters: PubMed 25611685 (cited by Labcorp Genetics (formerly Invitae), Labcorp and All of Us Research Program, National Institutes of Health); PubMed 27532257 (cited by Labcorp Genetics (formerly Invitae), Labcorp and All of Us Research Program, National Institutes of Health); PubMed 32150461 (cited by Labcorp Genetics (formerly Invitae), Labcorp).

NM_016203.4(PRKAG2):c.532G>A (p.Glu178Lys)

Gene: PRKAG2 (protein kinase AMP-activated non-catalytic subunit gamma 2; minus strand). Cytogenetic location: 7q36.1.
Variant type: single nucleotide variant.
Coding change: c.532G>A on transcript NM_016203.4 (MANE Select); coding-DNA position 532, G replaced by A.
Protein change: p.Glu178Lys; replaces glutamic acid 178 with lysine.
Molecular consequence: missense variant.
Genome position (GRCh38, 1-based): chr7:151,675,572, C>T on the plus strand (G>A on the coding strand, the complement: PRKAG2 is on the minus strand). VCF-style: chr7-151675572-C-T. GRCh37 (hg19) VCF-style: chr7-151372658-C-T.
Other names: c.400G>A, p.Glu134Lys (NM_001040633.2); c.160G>A, p.Glu54Lys (NM_001304527.2, NM_001363698.2); short protein forms E178K, E134K, E54K.
Identifiers: ClinVar variation 45723 (VCV000045723.18), dbSNP rs397517273, ClinGen allele CA014320.